The following is an entry in ClinVar:

ClinVar aggregate classification (germline): Uncertain significance (1 of 4 stars; one submission).

Conditions:
Joubert syndrome 23 (JBTS23). Identifiers: Orphanet 475, MedGen C4084822, MONDO:0014664, OMIM 616490.
Short-rib thoracic dysplasia 14 with polydactyly (SRTD14). Identifiers: Orphanet 397715, MedGen C4225286, MONDO:0014688, OMIM 616546.

Allele frequency attached by ClinVar (database versions not stated): gnomAD exomes 0.00001; TOPMed 0.00002.
gnomAD v4.1: 4 of 1,528,908 alleles (0.00026%); highest among the groups gnomAD compares: Admixed American, 0.0059%; no homozygotes.

Submission:

Labcorp Genetics (formerly Invitae), Labcorp
Classification: Uncertain significance for Joubert syndrome 23; Short-rib thoracic dysplasia 14 with polydactyly. Last evaluated: 2022-06-13. Review status: criteria provided, single submitter. Criteria: Invitae Variant Classification Sherloc (09022015). Collection method: clinical testing. Allele origin: germline.
Comment: This sequence change replaces aspartic acid, which is acidic and polar, with glycine, which is neutral and non-polar, at codon 612 of the KIAA0586 protein (p.Asp612Gly). This variant is present in population databases (no rsID available, gnomAD 0.009%). This variant has not been reported in the literature in individuals affected with KIAA0586-related conditions. Algorithms developed to predict the effect of missense changes on protein structure and function are either unavailable or do not agree on the potential impact of this missense change (SIFT: "Tolerated"; PolyPhen-2: "Probably Damaging"; Align-GVGD: "Class C0"). Algorithms developed to predict the effect of sequence changes on RNA splicing suggest that this variant may create or strengthen a splice site. In summary, the available evidence is currently insufficient to determine the role of this variant in disease. Therefore, it has been classified as a Variant of Uncertain Significance.

NM_001329943.3(KIAA0586):c.1676A>G (p.Asp559Gly)

Gene: KIAA0586 (KIAA0586; plus strand). Cytogenetic location: 14q23.1.
Variant type: single nucleotide variant.
Coding change: c.1676A>G on transcript NM_001329943.3 (MANE Select); coding-DNA position 1676, A replaced by G.
Protein change: p.Asp559Gly; replaces aspartic acid 559 with glycine.
Molecular consequence: missense variant. On other transcripts: intron variant (1).
Genome position (GRCh38, 1-based): chr14:58,459,862, A>G. VCF-style: chr14-58459862-A-G. GRCh37 (hg19) VCF-style: chr14-58926580-A-G.
Other names: c.1835A>G, p.Asp612Gly (NM_001244189.2); c.1631A>G, p.Asp544Gly (NM_001244190.2); c.1421A>G, p.Asp474Gly (NM_001244191.2, NM_001329945.2, NM_001364700.1 and 1 more transcripts); c.1544A>G, p.Asp515Gly (NM_001244192.2); c.1256A>G, p.Asp419Gly (NM_001244193.2); c.1676A>G, p.Asp559Gly (NM_001329944.2, NM_001329946.2, NM_001329947.2); c.1657-1124A>G (NM_014749.5); short protein forms D419G, D474G, D612G, D515G, D544G, D559G.
Identifiers: ClinVar variation 1523335 (VCV001523335.5), dbSNP rs1020004939, ClinGen allele CA261626208.